The following is an entry in ClinVar:

ClinVar aggregate classification (germline): Pathogenic. Review status: criteria provided, multiple submitters, no conflicts (2 of 4 stars). 5 submissions from 5 submitters: Pathogenic (3). 2 of the submissions do not count toward it. Last evaluated 2024-11-13.

Conditions:
RECQL4-related disorder. Also called: RECQL4-related disorders; RECQL4-related condition.
Baller-Gerold syndrome (BGS). Also called: CRANIOSYNOSTOSIS WITH RADIAL DEFECTS. Identifiers: Orphanet 1225, MedGen C0265308, MONDO:0009039, OMIM 218600.

Submissions (5):

Blueprint Genetics
Classification: Pathogenic for RECQL4-related disorders. Last evaluated: 2024-11-13. Review status: criteria provided, single submitter. Criteria: ACMG Guidelines, 2015. Collection method: clinical testing. Allele origin: germline. Affected: yes. Observed: 3 variant alleles.

3billion
Classification: Pathogenic for Baller-Gerold syndrome. Last evaluated: 2024-07-26. Review status: criteria provided, single submitter. Criteria: ACMG Guidelines, 2015. Collection method: clinical testing. Allele origin: germline. Affected: yes.
Comment: The variant is observed at an extremely low frequency in the gnomAD v4.0.0 dataset (total allele frequency: <0.001%). Predicted Consequence/Location: Frameshift: predicted to result in a loss or disruption of normal protein function through nonsense-mediated decay (NMD) or protein truncation. Multiple pathogenic variants are reported downstream of the variant. The variant has been reported at least twice as pathogenic without evidence for the classification (ClinVar ID: VCV000406969 /PMID: 12734318). Therefore, this variant is classified as Pathogenic according to the recommendation of ACMG/AMP guideline.

Labcorp Genetics (formerly Invitae), Labcorp
Classification: Pathogenic for Baller-Gerold syndrome. Last evaluated: 2024-03-19. Review status: criteria provided, single submitter. Criteria: Invitae Variant Classification Sherloc (09022015). Collection method: clinical testing. Allele origin: germline.
Comment: This sequence change creates a premature translational stop signal (p.Phe850Profs*33) in the RECQL4 gene. It is expected to result in an absent or disrupted protein product. Loss-of-function variants in RECQL4 are known to be pathogenic (PMID: 12734318, 12952869). This variant is present in population databases (rs778141083, gnomAD 0.004%). This premature translational stop signal has been observed in individual(s) with Rothmund-Thomson syndrome (PMID: 12734318, 18716613, 27247962). This variant is also known as g.4699delGT. ClinVar contains an entry for this variant (Variation ID: 406969). For these reasons, this variant has been classified as Pathogenic.

Clinical Genetics DNA and cytogenetics Diagnostics Lab, Erasmus MC, Erasmus Medical Center
Classification: Pathogenic. Review status: no assertion criteria provided. Collection method: clinical testing. Allele origin: germline. Affected: yes. Study: VKGL Data-share Consensus. Not counted in ClinVar's aggregate classification.

Genome Diagnostics Laboratory, University Medical Center Utrecht
Classification: Pathogenic. Review status: no assertion criteria provided. Collection method: clinical testing. Allele origin: germline. Affected: yes. Study: VKGL Data-share Consensus. Not counted in ClinVar's aggregate classification.

Literature cited by the submitters: PubMed 12734318 (cited by 3billion and Labcorp Genetics (formerly Invitae), Labcorp); PubMed 12952869 (cited by Labcorp Genetics (formerly Invitae), Labcorp); PubMed 18716613 (cited by Labcorp Genetics (formerly Invitae), Labcorp); PubMed 27247962 (cited by Labcorp Genetics (formerly Invitae), Labcorp).

NM_004260.4(RECQL4):c.2547_2548del (p.Phe850fs)

Gene: RECQL4 (RecQ like helicase 4; minus strand). Cytogenetic location: 8q24.3.
Variant type: Microsatellite.
Coding change: c.2547_2548del on transcript NM_004260.4 (MANE Select); coding-DNA positions 2547 to 2548, 2 bases deleted (GT; older notation c.2547_2548delGT).
Protein change: p.Phe850fs; shifts the reading frame from phenylalanine 850.
Molecular consequence: frameshift variant.
Genome position (GRCh38, 1-based): chr8:144,513,054-144,513,055, AC deleted on the plus strand (GT on the coding strand, the reverse complement: RECQL4 is on the minus strand); deleting any 2 consecutive bases within chr8:144,513,054-144,513,057 gives the same sequence; the c. name uses the placement nearest the transcript's 3' end. VCF-style (leftmost placement, unchanged base first): chr8-144513053-AAC-A. GRCh37 (hg19) VCF-style: chr8-145738436-AAC-A.
Other names: c.2547_2548delGT (NM_004260.3); short protein forms F850fs.
Identifiers: ClinVar variation 406969 (VCV000406969.12), dbSNP rs778141083, ClinGen allele CA4948189.